The following is an entry in ClinVar:

ClinVar aggregate classification (germline): Uncertain significance (1 of 4 stars; one submission).

Conditions:
LAMA2-related muscular dystrophy (LAMA2-RD). Also called: Laminin alpha 2-related dystrophy. Identifiers: MedGen C5679788, MONDO:0100228.

Submission:

Labcorp Genetics (formerly Invitae), Labcorp
Classification: Uncertain significance for LAMA2-related muscular dystrophy. Last evaluated: 2022-10-19. Review status: criteria provided, single submitter. Criteria: Invitae Variant Classification Sherloc (09022015). Collection method: clinical testing. Allele origin: germline.
Comment: This variant has not been reported in the literature in individuals affected with LAMA2-related conditions. In summary, the available evidence is currently insufficient to determine the role of this variant in disease. Therefore, it has been classified as a Variant of Uncertain Significance. Advanced modeling of protein sequence and biophysical properties (such as structural, functional, and spatial information, amino acid conservation, physicochemical variation, residue mobility, and thermodynamic stability) has been performed at Invitae for this missense variant, however the output from this modeling did not meet the statistical confidence thresholds required to predict the impact of this variant on LAMA2 protein function. This variant is not present in population databases (gnomAD no frequency). This sequence change replaces tyrosine, which is neutral and polar, with serine, which is neutral and polar, at codon 276 of the LAMA2 protein (p.Tyr276Ser).

NM_000426.4(LAMA2):c.827A>C (p.Tyr276Ser)

Gene: LAMA2 (laminin subunit alpha 2; plus strand). Cytogenetic location: 6q22.33.
Variant type: single nucleotide variant.
Coding change: c.827A>C on transcript NM_000426.4 (MANE Select); coding-DNA position 827, A replaced by C.
Protein change: p.Tyr276Ser; replaces tyrosine 276 with serine.
Molecular consequence: missense variant.
Genome position (GRCh38, 1-based): chr6:129,146,966, A>C. VCF-style: chr6-129146966-A-C. GRCh37 (hg19) VCF-style: chr6-129468111-A-C.
Other names: c.827A>C, p.Tyr276Ser (NM_001079823.2); short protein forms Y276S.
Identifiers: ClinVar variation 1721831 (VCV001721831.6), dbSNP rs2482595953, ClinGen allele CA365606282.